The following is an entry in ClinVar:

ClinVar aggregate classification (germline): Uncertain significance. Review status: criteria provided, multiple submitters, no conflicts (2 of 4 stars). 3 submissions from 3 submitters: Uncertain significance (3). Last evaluated 2025-12-29.

Conditions:
Hereditary spastic paraplegia 11. Also called: Spastic paraplegia, mental retardation and thin corpus callosum; SPASTIC PARAPLEGIA, AUTOSOMAL RECESSIVE, COMPLICATED, WITH THIN CORPUS CALLOSUM; SPASTIC PARAPLEGIA, AUTOSOMAL RECESSIVE, WITH MENTAL IMPAIRMENT AND THIN CORPUS CALLOSUM; Spastic Paraplegia 11; Nakamura Osame syndrome; Autosomal recessive hereditary spastic paraplegia, mental impairment, and thin corpus callosum. Identifiers: Orphanet 2822, MedGen C1858479, MONDO:0011445, OMIM 604360.

gnomAD v4.1: 7 of 1,614,036 alleles (0.00043%); highest among the groups gnomAD compares: Non-Finnish European, 0.00059%; no homozygotes.

Submissions (3):

Women's Health and Genetics/Laboratory Corporation of America, LabCorp
Classification: Uncertain significance. Last evaluated: 2025-12-29. Review status: criteria provided, single submitter. Criteria: LabCorp Variant Classification Summary - May 2015. Collection method: clinical testing. Allele origin: germline.
Comment: Variant summary: SPG11 c.2885T>C (p.Leu962Pro) results in a non-conservative amino acid change in the encoded protein sequence. Algorithms developed to predict the effect of missense changes on protein structure and function are either unavailable or do not agree on the potential impact of this missense change. The variant allele was found at a frequency of 4e-06 in 251264 control chromosomes. The available data on variant occurrences in the general population are insufficient to allow any conclusion about variant significance. To our knowledge, no occurrence of c.2885T>C in individuals affected with SPG11-related conditions and no experimental evidence demonstrating its impact on protein function have been reported. ClinVar contains an entry for this variant (Variation ID: 1517086). Based on the evidence outlined above, the variant was classified as uncertain significance.

GeneDx
Classification: Uncertain significance. Last evaluated: 2024-07-09. Review status: criteria provided, single submitter. Criteria: GeneDx Variant Classification Process June 2021. Collection method: clinical testing. Allele origin: germline. Affected: yes.
Comment: Not observed at significant frequency in large population cohorts (gnomAD); In silico analysis indicates that this missense variant does not alter protein structure/function; Has not been previously published as pathogenic or benign to our knowledge

Labcorp Genetics (formerly Invitae), Labcorp
Classification: Uncertain significance for Hereditary spastic paraplegia 11. Last evaluated: 2024-03-04. Review status: criteria provided, single submitter. Criteria: Invitae Variant Classification Sherloc (09022015). Collection method: clinical testing. Allele origin: germline.
Comment: This sequence change replaces leucine, which is neutral and non-polar, with proline, which is neutral and non-polar, at codon 962 of the SPG11 protein (p.Leu962Pro). This variant is present in population databases (no rsID available, gnomAD 0.0009%). This variant has not been reported in the literature in individuals affected with SPG11-related conditions. ClinVar contains an entry for this variant (Variation ID: 1517086). Advanced modeling of protein sequence and biophysical properties (such as structural, functional, and spatial information, amino acid conservation, physicochemical variation, residue mobility, and thermodynamic stability) performed at Invitae indicates that this missense variant is not expected to disrupt SPG11 protein function with a negative predictive value of 80%. In summary, the available evidence is currently insufficient to determine the role of this variant in disease. Therefore, it has been classified as a Variant of Uncertain Significance.

NM_025137.4(SPG11):c.2885T>C (p.Leu962Pro)

Gene: SPG11 (SPG11 vesicle trafficking associated, spatacsin; minus strand). Cytogenetic location: 15q21.1.
Variant type: single nucleotide variant.
Coding change: c.2885T>C on transcript NM_025137.4 (MANE Select); coding-DNA position 2885, T replaced by C.
Protein change: p.Leu962Pro; replaces leucine 962 with proline.
Molecular consequence: missense variant.
Genome position (GRCh38, 1-based): chr15:44,615,516, A>G on the plus strand (T>C on the coding strand, the complement: SPG11 is on the minus strand). VCF-style: chr15-44615516-A-G. GRCh37 (hg19) VCF-style: chr15-44907714-A-G.
Other names: c.2885T>C, p.Leu962Pro (NM_001160227.2); c.2885T>C (NM_025137.3); short protein forms L962P.
Identifiers: ClinVar variation 1517086 (VCV001517086.7), dbSNP rs759969829, ClinGen allele CA270068541.
Genomic context (GRCh38, chr15:44,615,516, plus strand): 5'-GTCTTGTAGTTTTGAACAGGGAGGGTATCCTGTATTACACCTCCAATACGGCTCAGTCTT[A>G]GGAGGAAGCATTCAAAGTCTTCCAGTTCAGATGCCAAAAAAACCCCATTCCTATGGACAG-3'
Protein context (NP_079413.3, residues 952-972): SELEDFECFL[Leu962Pro]RLSRIGGVIQ